The following is an entry in ClinVar:

ClinVar aggregate classification (germline): Uncertain significance (1 of 4 stars; one submission).

gnomAD v4.1: 30 of 1,613,434 alleles (0.0019%); highest among the groups gnomAD compares: African/African-American, 0.0027%; no homozygotes.

Submission:

Labcorp Genetics (formerly Invitae), Labcorp
Classification: Uncertain significance. Last evaluated: 2025-12-15. Review status: criteria provided, single submitter. Criteria: Invitae Variant Classification Sherloc (09022015). Collection method: clinical testing. Allele origin: germline.
Comment: This sequence change replaces asparagine, which is neutral and polar, with aspartic acid, which is acidic and polar, at codon 545 of the KIF22 protein (p.Asn545Asp). This variant is present in population databases (rs781477833, gnomAD 0.007%). This variant has not been reported in the literature in individuals affected with KIF22-related conditions. ClinVar contains an entry for this variant (Variation ID: 3715506). Invitae Evidence Modeling of protein sequence and biophysical properties (such as structural, functional, and spatial information, amino acid conservation, physicochemical variation, residue mobility, and thermodynamic stability) indicates that this missense variant is not expected to disrupt KIF22 protein function with a negative predictive value of 80%. In summary, the available evidence is currently insufficient to determine the role of this variant in disease. Therefore, it has been classified as a Variant of Uncertain Significance.

NM_007317.3(KIF22):c.1633A>G (p.Asn545Asp)

Gene: KIF22 (kinesin family member 22; plus strand). Cytogenetic location: 16p11.2.
Variant type: single nucleotide variant.
Coding change: c.1633A>G on transcript NM_007317.3 (MANE Select); coding-DNA position 1633, A replaced by G.
Protein change: p.Asn545Asp; replaces asparagine 545 with aspartic acid.
Molecular consequence: missense variant.
Genome position (GRCh38, 1-based): chr16:29,804,021, A>G. VCF-style: chr16-29804021-A-G. GRCh37 (hg19) VCF-style: chr16-29815342-A-G.
Other names: c.1429A>G, p.Asn477Asp (NM_001256269.2, NM_001256270.1); short protein forms N477D, N545D.
Identifiers: ClinVar variation 3715506 (VCV003715506.2).